The following is an entry in ClinVar:

ClinVar aggregate classification (germline): Pathogenic (1 of 4 stars; one submission).

Submission:

GeneDx
Classification: Pathogenic. Last evaluated: 2024-07-30. Review status: criteria provided, single submitter. Criteria: GeneDx Variant Classification Process June 2021. Collection method: clinical testing. Allele origin: germline. Affected: yes.
Comment: Damages or destroys the splice acceptor site in intron 25, and is expected to cause abnormal gene splicing; if the splice outcome is exon skip, the loss of the encoded residues in the triple helical region is expected to disrupt normal protein folding and function, and this is an established mechanism of disease (HGMD); Not observed at significant frequency in large population cohorts (gnomAD); This variant is associated with the following publications: (PMID: 17347327, 25525159, 25592122)

NM_001844.5(COL2A1):c.1681-1G>C

Gene: COL2A1 (collagen type II alpha 1 chain; minus strand). Cytogenetic location: 12q13.11.
Variant type: single nucleotide variant.
Coding change: c.1681-1G>C on transcript NM_001844.5 (MANE Select); the canonical splice acceptor site of the intron before coding-DNA position 1681, G replaced by C.
Molecular consequence: splice acceptor variant.
Genome position (GRCh38, 1-based): chr12:47,985,588, C>G on the plus strand (G>C on the coding strand, the complement: COL2A1 is on the minus strand). VCF-style: chr12-47985588-C-G. GRCh37 (hg19) VCF-style: chr12-48379371-C-G.
Other names: c.1474-1G>C (NM_033150.3).
Identifiers: ClinVar variation 3602160 (VCV003602160.1).
Genomic context (GRCh38, chr12:47,985,588, plus strand): 5'-ACTTACAGAAGGGCCAACTTTGCCTTGAGGACCAGCATCACCAGGGCGGCCAGTGAGACC[C>G]TTTGTTCAGGAGAGAGAAGAGGGTGGGGTCAGGAGCCGGCCCCAGGACCTCCCAATCCTG-3'